The following is an entry in ClinVar:

ClinVar aggregate classification (germline): Uncertain significance (1 of 4 stars; one submission).

Submission:

GeneDx
Classification: Uncertain significance. Last evaluated: 2026-03-05. Review status: criteria provided, single submitter. Criteria: GeneDx Variant Classification Process June 2021. Collection method: clinical testing. Allele origin: germline.
Comment: Not observed at significant frequency in large population cohorts (gnomAD); In silico analysis supports that this missense variant has a deleterious effect on protein structure/function; Has not been previously published as pathogenic or benign to our knowledge

NM_003482.4(KMT2D):c.4080G>T (p.Met1360Ile)

Gene: KMT2D (lysine methyltransferase 2D; minus strand). Cytogenetic location: 12q13.12.
Variant type: single nucleotide variant.
Coding change: c.4080G>T on transcript NM_003482.4 (MANE Select); coding-DNA position 4080, G replaced by T.
Protein change: p.Met1360Ile; replaces methionine 1360 with isoleucine.
Molecular consequence: missense variant.
Genome position (GRCh38, 1-based): chr12:49,048,710, C>A on the plus strand (G>T on the coding strand, the complement: KMT2D is on the minus strand). VCF-style: chr12-49048710-C-A. GRCh37 (hg19) VCF-style: chr12-49442493-C-A.
Other names: short protein forms M1360I.
Identifiers: ClinVar variation 5008622 (VCV005008622.1).